The following is an entry in ClinVar:

NM_001252102.2(KIF21B):c.257A>G (p.Tyr86Cys)

Gene: KIF21B (kinesin family member 21B; minus strand). Cytogenetic location: 1q32.1.
Variant type: single nucleotide variant.
Coding change: c.257A>G on transcript NM_001252102.2 (MANE Select); coding-DNA position 257, A replaced by G.
Protein change: p.Tyr86Cys; replaces tyrosine 86 with cysteine.
Molecular consequence: missense variant.
Genome position (GRCh38, 1-based): chr1:201,009,273, T>C on the plus strand (A>G on the coding strand, the complement: KIF21B is on the minus strand). VCF-style: chr1-201009273-T-C. GRCh37 (hg19) VCF-style: chr1-200978401-T-C.
Other names: c.257A>G, p.Tyr86Cys (NM_001252100.2, NM_001252103.2, NM_017596.4); short protein forms Y86C.
Identifiers: ClinVar variation 3366005 (VCV003366005.1).

ClinVar aggregate classification (germline): Uncertain significance (1 of 4 stars; one submission).

Submission:

GeneDx
Classification: Uncertain significance. Last evaluated: 2023-10-10. Review status: criteria provided, single submitter. Criteria: GeneDx Variant Classification Process June 2021. Collection method: clinical testing. Allele origin: germline. Affected: yes.
Comment: Not observed at significant frequency in large population cohorts (gnomAD); In silico analysis supports that this missense variant has a deleterious effect on protein structure/function; Has not been previously published as pathogenic or benign to our knowledge